The following is an entry in ClinVar:

ClinVar aggregate classification (germline): Uncertain significance (1 of 4 stars; one submission).

Allele frequency attached by ClinVar (database versions not stated): gnomAD exomes below 0.00001; TOPMed below 0.00001.
gnomAD v4.1: 35 of 1,614,054 alleles (0.0022%); highest among the groups gnomAD compares: Non-Finnish European, 0.003%; no homozygotes.

Submission:

Labcorp Genetics (formerly Invitae), Labcorp
Classification: Uncertain significance. Last evaluated: 2024-10-29. Review status: criteria provided, single submitter. Criteria: Invitae Variant Classification Sherloc (09022015). Collection method: clinical testing. Allele origin: germline.
Comment: This sequence change replaces valine, which is neutral and non-polar, with alanine, which is neutral and non-polar, at codon 270 of the ATF6 protein (p.Val270Ala). This variant is present in population databases (no rsID available, gnomAD 0.0009%). This variant has not been reported in the literature in individuals affected with ATF6-related conditions. ClinVar contains an entry for this variant (Variation ID: 956651). An algorithm developed to predict the effect of missense changes on protein structure and function (PolyPhen-2) suggests that this variant is likely to be tolerated. In summary, the available evidence is currently insufficient to determine the role of this variant in disease. Therefore, it has been classified as a Variant of Uncertain Significance.

NM_007348.4(ATF6):c.809T>C (p.Val270Ala)

Gene: ATF6 (activating transcription factor 6; plus strand). Cytogenetic location: 1q23.3.
Variant type: single nucleotide variant.
Coding change: c.809T>C on transcript NM_007348.4 (MANE Select); coding-DNA position 809, T replaced by C.
Protein change: p.Val270Ala; replaces valine 270 with alanine.
Molecular consequence: missense variant.
Genome position (GRCh38, 1-based): chr1:161,802,172, T>C. VCF-style: chr1-161802172-T-C. GRCh37 (hg19) VCF-style: chr1-161771962-T-C.
Other names: short protein forms V270A.
Identifiers: ClinVar variation 956651 (VCV000956651.6), dbSNP rs1368181519, ClinGen allele CA343388750.